The following is an entry in ClinVar:

NM_000204.5(CFI):c.976T>C (p.Ser326Pro)

Gene: CFI (complement factor I; minus strand). Cytogenetic location: 4q25.
Variant type: single nucleotide variant.
Coding change: c.976T>C on transcript NM_000204.5 (MANE Select); coding-DNA position 976, T replaced by C.
Protein change: p.Ser326Pro; replaces serine 326 with proline.
Molecular consequence: missense variant. On other transcripts: non-coding transcript variant (3).
Genome position (GRCh38, 1-based): chr4:109,749,567, A>G on the plus strand (T>C on the coding strand, the complement: CFI is on the minus strand). VCF-style: chr4-109749567-A-G. GRCh37 (hg19) VCF-style: chr4-110670723-A-G.
Other names: c.1000T>C, p.Ser334Pro (NM_001318057.2, NM_001375278.1); c.955T>C, p.Ser319Pro (NM_001331035.2, NM_001375280.1, NM_001375282.1); c.976T>C, p.Ser326Pro (NM_001375279.1, NM_001375281.1); c.919T>C, p.Ser307Pro (NM_001375283.1); c.367T>C, p.Ser123Pro (NM_001375284.1); short protein forms S123P, S334P, S307P, S326P, S319P.
Identifiers: ClinVar variation 3589756 (VCV003589756.2).

ClinVar aggregate classification (germline): Uncertain significance. Review status: criteria provided, multiple submitters, no conflicts (2 of 4 stars). 2 submissions from 2 submitters: Uncertain significance (2). Last evaluated 2025-09-26.

Conditions:
Atypical hemolytic-uremic syndrome with I factor anomaly. Also called: HEMOLYTIC UREMIC SYNDROME, ATYPICAL, SUSCEPTIBILITY TO, 3; AHUS, SUSCEPTIBILITY TO, 3. Identifiers: Orphanet 2134, MedGen C2752039, MONDO:0013041, OMIM 612923.
Factor I deficiency (CFID). Also called: Complement factor I deficiency. Identifiers: Orphanet 200418, MedGen C3463916, MONDO:0012594, OMIM 610984.
Age related macular degeneration 13. Identifiers: MedGen C3809523, MONDO:0014189, OMIM 615439.
Atypical hemolytic-uremic syndrome. Identifiers: Orphanet 2134, MedGen C2931788, MONDO:0016244.

gnomAD v4.1: 34 of 1,611,356 alleles (0.0021%); highest among the groups gnomAD compares: South Asian, 0.034%; no homozygotes.

Submissions (2):

Genomenon, Inc
Classification: Uncertain significance for Atypical hemolytic-uremic syndrome. Last evaluated: 2025-09-26. Review status: criteria provided, single submitter. Criteria: Genomenon Sequence Variant Interpretation Standards - Updated. Collection method: curation. Allele origin: germline. Affected: yes.
Comment: CFI p.Ser326Pro (c.976T>C) is a missense variant that changes the amino acid at residue 326 from Serine to Proline. This variant has been observed in at least one proband affected with atypical hemolytic-uremic syndrome (PMID:37744338). It is absent or not present at a significant frequency in gnomAD. In conclusion, we classify CFI p.Ser326Pro (c.976T>C) as a variant of unknown significance.

Fulgent Genetics
Classification: Uncertain significance for Factor I deficiency; Atypical hemolytic-uremic syndrome with I factor anomaly; Age related macular degeneration 13. Last evaluated: 2024-01-05. Review status: criteria provided, single submitter. Criteria: ACMG Guidelines, 2015. Collection method: clinical testing. Allele origin: germline.

Literature cited by the submitters: PubMed 37744338 (cited by Genomenon, Inc).